The following is an entry in ClinVar:

NM_007286.6(SYNPO):c.2372CCCCGC[6] (p.Pro799_Pro800dup)

Genes: SYNPO (synaptopodin; plus strand), LOC129995011 (ATAC-STARR-seq lymphoblastoid silent region 16516; plus strand). Cytogenetic location: 5q33.1.
Variant type: Microsatellite.
Coding change: c.2372CCCCGC[6] on transcript NM_007286.6 (MANE Select); six copies in a row of the 6-base unit CCCCGC starting at c.2372; the reference has five copies in a row; one copy, 6 bases duplicated.
Protein change: p.Pro799_Pro800dup.
Molecular consequence: inframe insertion.
Genome position (GRCh38, 1-based): chr5:150,656,771-150,656,776, CCCCGC duplicated; duplicating any 6 consecutive bases within chr5:150,656,743-150,656,776 gives the same sequence; the position shown is the placement nearest the transcript's 3' end. VCF-style (leftmost placement, unchanged base first): chr5-150656742-A-ACCGCCC. GRCh37 (hg19) VCF-style: chr5-150036304-A-ACCGCCC.
Identifiers: ClinVar variation 1509611 (VCV001509611.7), dbSNP rs769259449, ClinGen allele CA563957171.

ClinVar aggregate classification (germline): Uncertain significance. Review status: criteria provided, multiple submitters, no conflicts (2 of 4 stars). 2 submissions from 2 submitters: Uncertain significance (2). Last evaluated 2025-02-02.

Submissions (2):

Labcorp Genetics (formerly Invitae), Labcorp
Classification: Uncertain significance. Last evaluated: 2025-02-02. Review status: criteria provided, single submitter. Criteria: Invitae Variant Classification Sherloc (09022015). Collection method: clinical testing. Allele origin: germline.
Comment: This variant, c.2396_2401dup, results in the insertion of 2 amino acid(s) of the SYNPO protein (p.Pro799_Pro800dup), but otherwise preserves the integrity of the reading frame. The frequency data for this variant in the population databases is considered unreliable, as metrics indicate poor data quality at this position in the gnomAD database. This variant has not been reported in the literature in individuals affected with SYNPO-related conditions. Experimental studies and prediction algorithms are not available or were not evaluated, and the functional significance of this variant is currently unknown. In summary, the available evidence is currently insufficient to determine the role of this variant in disease. Therefore, it has been classified as a Variant of Uncertain Significance.

Breakthrough Genomics
Classification: Uncertain significance. Review status: criteria provided, single submitter. Criteria: ACMG Guidelines, 2015. Collection method: not provided. Allele origin: germline. Inheritance: Unknown mechanism. Affected: yes.